The following is an entry in ClinVar:

NM_020778.5(ALPK3):c.1820A>G (p.Lys607Arg)

Gene: ALPK3 (alpha kinase 3; plus strand). Cytogenetic location: 15q25.3.
Variant type: single nucleotide variant.
Coding change: c.1820A>G on transcript NM_020778.5 (MANE Select); coding-DNA position 1820, A replaced by G.
Protein change: p.Lys607Arg; replaces lysine 607 with arginine.
Molecular consequence: missense variant.
Genome position (GRCh38, 1-based): chr15:84,856,558, A>G. VCF-style: chr15-84856558-A-G. GRCh37 (hg19) VCF-style: chr15-85399789-A-G.
Other names: short protein forms K607R.
Identifiers: ClinVar variation 1937519 (VCV001937519.5), dbSNP rs1401903750, ClinGen allele CA393354854.

ClinVar aggregate classification (germline): Uncertain significance (1 of 4 stars; one submission).

Allele frequency attached by ClinVar (database versions not stated): gnomAD exomes below 0.00001.
gnomAD v4.1: 5 of 1,614,194 alleles (0.00031%); highest among the groups gnomAD compares: Non-Finnish European, 0.00042%; no homozygotes.

Submission:

Labcorp Genetics (formerly Invitae), Labcorp
Classification: Uncertain significance. Last evaluated: 2023-07-17. Review status: criteria provided, single submitter. Criteria: Invitae Variant Classification Sherloc (09022015). Collection method: clinical testing. Allele origin: germline.
Comment: Algorithms developed to predict the effect of missense changes on protein structure and function output the following: SIFT: "Not Available"; PolyPhen-2: "Benign"; Align-GVGD: "Not Available". The arginine amino acid residue is found in multiple mammalian species, which suggests that this missense change does not adversely affect protein function. In summary, the available evidence is currently insufficient to determine the role of this variant in disease. Therefore, it has been classified as a Variant of Uncertain Significance. ClinVar contains an entry for this variant (Variation ID: 1937519). This variant has not been reported in the literature in individuals affected with ALPK3-related conditions. This variant is present in population databases (no rsID available, gnomAD 0.0009%). This sequence change replaces lysine, which is basic and polar, with arginine, which is basic and polar, at codon 809 of the ALPK3 protein (p.Lys809Arg).